The following is an entry in ClinVar:

NM_001378615.1(CC2D2A):c.2920C>T (p.Gln974Ter)

Genes: CC2D2A (coiled-coil and C2 domain containing 2A; plus strand), FBXL5 (F-box and leucine rich repeat protein 5; minus strand). Cytogenetic location: 4p15.32.
Variant type: single nucleotide variant.
Coding change: c.2920C>T on transcript NM_001378615.1 (MANE Select); coding-DNA position 2920, C replaced by T.
Protein change: p.Gln974Ter; replaces glutamine 974 with a stop codon.
Molecular consequence: nonsense.
Genome position (GRCh38, 1-based): chr4:15,559,255, C>T. VCF-style: chr4-15559255-C-T. GRCh37 (hg19) VCF-style: chr4-15560878-C-T.
Other names: c.2920C>T, p.Gln974Ter (NM_001080522.2); c.2773C>T, p.Gln925Ter (NM_001378617.1); short protein forms Q925*, Q974*.
Identifiers: ClinVar variation 5014359 (VCV005014359.1).

ClinVar aggregate classification (germline): Pathogenic (1 of 4 stars; one submission).

Conditions:
Joubert syndrome and related disorders. Identifiers: Orphanet 140874, MedGen C5679612, MONDO:0015369.

Submission:

Myriad Genetics, Inc.
Classification: Pathogenic for Joubert syndrome and related disorders. Last evaluated: 2025-04-28. Review status: criteria provided, single submitter. Criteria: Myriad Autosomal Dominant, Autosomal Recessive and X-Linked Classification Criteria (2023). Collection method: clinical testing. Allele origin: unknown.
Comment: NM_001080522.2(CC2D2A):c.2920C>T(Q974*) is expected to be pathogenic in the context of CC2D2A-related disorders. This variant is predicted to lead to an abnormal or absent protein product due to the creation of a premature termination codon in CC2D2A, a gene where loss-of-function variants are known to be pathogenic. Please note: this variant was assessed in the context of healthy population screening.